The following is an entry in ClinVar:

NM_001244008.2(KIF1A):c.2088C>T (p.Asn696=)

Gene: KIF1A (kinesin family member 1A; minus strand). Cytogenetic location: 2q37.3.
Variant type: single nucleotide variant.
Coding change: c.2088C>T on transcript NM_001244008.2 (MANE Select); coding-DNA position 2088, C replaced by T.
Protein change: p.Asn696=; no amino-acid change (asparagine 696 retained).
Molecular consequence: synonymous variant.
Genome position (GRCh38, 1-based): chr2:240,762,747, G>A on the plus strand (C>T on the coding strand, the complement: KIF1A is on the minus strand). VCF-style: chr2-240762747-G-A. GRCh37 (hg19) VCF-style: chr2-241702164-G-A.
Other names: c.2088C>T, p.Asn696= (NM_001320705.2, NM_001330289.2, NM_001379638.1); c.2163C>T, p.Asn721= (NM_001330290.2, NM_001379631.1, NM_001379634.1 and 2 more transcripts); c.2061C>T, p.Asn687= (NM_001379632.1, NM_001379633.1, NM_001379636.1 and 10 more transcripts); c.2136C>T, p.Asn712= (NM_001379637.1, NM_001379648.1).
Identifiers: ClinVar variation 447650 (VCV000447650.19), dbSNP rs758111969, ClinGen allele CA2208204.
Genomic context (GRCh38, chr2:240,762,747, plus strand): 5'-ACGCAGCAGGTGCTGGCCCAGTGACCCCTCACCTTCATCCTCGGGCTCCTCCTCCTCCTC[G>A]TTCACCTCCGGGTAGTACCTGGAGTCCATCTGCTTCTGCAGAGCCTCCAGCTTGCTCTCA-3'
Protein context (NP_001230937.1, residues 686-706): QMDSRYYPEV[Asn696=]EEEEEPEDEV

ClinVar aggregate classification (germline): Conflicting classifications of pathogenicity. Review status: criteria provided, conflicting classifications (1 of 4 stars). 6 submissions from 6 submitters: Uncertain significance (3); Likely benign (2). 1 of the submissions does not count toward it. Last evaluated 2026-01-16.

Conditions:
KIF1A-related disorder. Also called: KIF1A-related disorders; KIF1A-related condition.
Neuropathy, hereditary sensory, type 2C. Also called: Hereditary sensory and autonomic neuropathy type IIC; KIF1A-Related HSAN2 (HSAN2C). Identifiers: Orphanet 970, MedGen C3280168, MONDO:0013634, OMIM 614213.
Hereditary spastic paraplegia 30. Identifiers: Orphanet 101010, MedGen C5235139, MONDO:0012476.
Intellectual disability, autosomal dominant 9 (NESCAVS). Also called: NESCAV SYNDROME; KIF1A-Related Neurodevelopmental Disorder. Identifiers: Orphanet 662367, MedGen C5393830, MONDO:0013656, OMIM 614255.
Hereditary spastic paraplegia. Also called: Familial spastic paraparesis. Identifiers: Orphanet 685, MedGen C0037773, MONDO:0019064. Disease mechanism: loss of function.

Allele frequency attached by ClinVar (database versions not stated): TOPMed 0.00003; gnomAD 0.00006.
gnomAD v4.1: 83 of 1,596,076 alleles (0.0052%); highest among the groups gnomAD compares: East Asian, 0.045%; no homozygotes.

Submissions (6):

Labcorp Genetics (formerly Invitae), Labcorp
Classification: Likely benign for Hereditary spastic paraplegia 30; Neuropathy, hereditary sensory, type 2C; Intellectual disability, autosomal dominant 9. Last evaluated: 2026-01-16. Review status: criteria provided, single submitter. Criteria: Invitae Variant Classification Sherloc (09022015). Collection method: clinical testing. Allele origin: germline.

Blueprint Genetics
Classification: Likely benign. Last evaluated: 2024-11-01. Review status: criteria provided, single submitter. Criteria: ACMG Guidelines, 2015. Collection method: clinical testing. Allele origin: germline.

GeneDx
Classification: Uncertain significance. Last evaluated: 2021-04-14. Review status: criteria provided, single submitter. Criteria: GeneDx Variant Classification Process June 2021. Collection method: clinical testing. Allele origin: germline. Affected: yes.
Comment: In silico analysis, which includes splice predictors and evolutionary conservation, suggests this variant may impact gene splicing. In the absence of RNA/functional studies, the actual effect of this sequence change is unknown.; Has not been previously published as pathogenic or benign to our knowledge

Genome Diagnostics Laboratory, The Hospital for Sick Children
Classification: Uncertain significance for Hereditary spastic paraplegia. Last evaluated: 2018-08-01. Review status: criteria provided, single submitter. Criteria: ACMG Guidelines, 2015. Collection method: clinical testing. Allele origin: germline. Affected: yes.

Athena Diagnostics
Classification: Uncertain significance. Last evaluated: 2017-03-28. Review status: criteria provided, single submitter. Criteria: Athena Diagnostics Criteria. Collection method: clinical testing. Allele origin: germline.

PreventionGenetics, part of Exact Sciences
Classification: Likely benign for KIF1A-related condition. Last evaluated: 2024-06-05. Review status: no assertion criteria provided. Collection method: clinical testing. Allele origin: germline. Not counted in ClinVar's aggregate classification.
Comment: This variant is classified as likely benign based on ACMG/AMP sequence variant interpretation guidelines (Richards et al. 2015 PMID: 25741868, with internal and published modifications).